The following is an entry in ClinVar:

ClinVar aggregate classification (germline): Benign/Likely benign. Review status: criteria provided, multiple submitters, no conflicts (2 of 4 stars). 3 submissions from 3 submitters: Benign (1); Likely benign (1). 1 of the submissions does not count toward it. Last evaluated 2026-01-31.

Conditions:
DENND5A-related disorder. Also called: DENND5A-related condition.

Allele frequency attached by ClinVar (database versions not stated): 1000 Genomes Project 30x 0.00062; ESP Exome Variant Server 0.00095; gnomAD exomes 0.00109 and 0.00219; gnomAD 0.00121 and 0.00125; TOPMed 0.00135; ExAC 0.00225; 1000 Genomes Project 0.00060.
gnomAD v4.1: 3,311 of 1,588,656 alleles (0.21%); highest among the groups gnomAD compares: Non-Finnish European, 0.27%; 5 homozygotes.

Submissions (3):

Labcorp Genetics (formerly Invitae), Labcorp
Classification: Benign. Last evaluated: 2026-01-31. Review status: criteria provided, single submitter. Criteria: Invitae Variant Classification Sherloc (09022015). Collection method: clinical testing. Allele origin: germline.

CeGaT Center for Human Genetics Tuebingen
Classification: Likely benign. Last evaluated: 2024-01-01. Review status: criteria provided, single submitter. Criteria: CeGaT Center For Human Genetics Tuebingen Variant Classification Criteria Version 2. Collection method: clinical testing. Allele origin: germline. Affected: yes. Observed: 2 variant alleles.
Comment: DENND5A: BS1

PreventionGenetics, part of Exact Sciences
Classification: Likely benign for DENND5A-related condition. Last evaluated: 2022-12-28. Review status: no assertion criteria provided. Collection method: clinical testing. Allele origin: germline. Not counted in ClinVar's aggregate classification.
Comment: This variant is classified as likely benign based on ACMG/AMP sequence variant interpretation guidelines (Richards et al. 2015 PMID: 25741868, with internal and published modifications).

NM_015213.4(DENND5A):c.81G>T (p.Glu27Asp)

Genes: DENND5A (DENN domain containing 5A; minus strand), LOC130005268 (ATAC-STARR-seq lymphoblastoid silent region 3122; plus strand). Cytogenetic location: 11p15.4.
Variant type: single nucleotide variant.
Coding change: c.81G>T on transcript NM_015213.4 (MANE Select); coding-DNA position 81, G replaced by T.
Protein change: p.Glu27Asp; replaces glutamic acid 27 with aspartic acid.
Molecular consequence: missense variant. On other transcripts: 5 prime UTR variant (1), non-coding transcript variant (1).
Genome position (GRCh38, 1-based): chr11:9,264,989, C>A on the plus strand (G>T on the coding strand, the complement: DENND5A is on the minus strand). VCF-style: chr11-9264989-C-A. GRCh37 (hg19) VCF-style: chr11-9286536-C-A.
Other names: c.81G>T, p.Glu27Asp (NM_001243254.2, NM_001348749.2); c.-244G>T (NM_001348750.2); short protein forms E27D.
Identifiers: ClinVar variation 715632 (VCV000715632.35), dbSNP rs202226768, ClinGen allele CA5877924.